The following is an entry in ClinVar:

NC_000003.12:g.169764630G>A

Gene: TERC (telomerase RNA component; minus strand). Cytogenetic location: 3q26.2.
Variant type: single nucleotide variant.
Genome position: GRCh38 VCF-style: chr3-169764630-G-A. GRCh37 (hg19) VCF-style: chr3-169482418-G-A.
Identifiers: ClinVar variation 1430867 (VCV001430867.6), dbSNP rs1374142931, ClinGen allele CA436714748.

ClinVar aggregate classification (germline): Uncertain significance (1 of 4 stars; one submission).

Conditions:
Dyskeratosis congenita, autosomal dominant 1 (DKCA1). Also called: Dyskeratosis congenita Scoggins type. Identifiers: Orphanet 1775, MedGen C4551974, MONDO:0007485, OMIM 127550. Inheritance: Variable.

Allele frequency attached by ClinVar (database versions not stated): gnomAD exomes 0.00001.
gnomAD v4.1: 1 of 711,264 alleles (0.00014%); highest among the groups gnomAD compares: Admixed American, 0.002%; no homozygotes.

Submission:

Labcorp Genetics (formerly Invitae), Labcorp
Classification: Uncertain significance for Dyskeratosis congenita, autosomal dominant 1. Last evaluated: 2023-09-22. Review status: criteria provided, single submitter. Criteria: Invitae Variant Classification Sherloc (09022015). Collection method: clinical testing. Allele origin: germline.
Comment: In summary, the available evidence is currently insufficient to determine the role of this variant in disease. Therefore, it has been classified as a Variant of Uncertain Significance. This variant is present in population databases (no rsID available, gnomAD 0.004%). This variant has not been reported in the literature in individuals affected with TERC-related conditions. ClinVar contains an entry for this variant (Variation ID: 1430867). This variant is located within the BoxH/ACA scaRNA domain of the TERC RNA component, which is required for telomerase activity (PMID: 21844345). This variant occurs in the TERC gene, which encodes an RNA molecule that does not result in a protein product.

Literature cited by the submitters: PubMed 21844345.